The following is an entry in ClinVar:

NM_001277115.2(DNAH11):c.2346C>G (p.Tyr782Ter)

Gene: DNAH11 (dynein axonemal heavy chain 11; plus strand). Cytogenetic location: 7p15.3.
Variant type: single nucleotide variant.
Coding change: c.2346C>G on transcript NM_001277115.2 (MANE Select); coding-DNA position 2346, C replaced by G.
Protein change: p.Tyr782Ter; replaces tyrosine 782 with a stop codon.
Molecular consequence: nonsense.
Genome position (GRCh38, 1-based): chr7:21,591,256, C>G. VCF-style: chr7-21591256-C-G. GRCh37 (hg19) VCF-style: chr7-21630874-C-G.
Other names: c.2346C>G, p.Tyr782Ter (NM_003777.3); short protein forms Y782*.
Identifiers: ClinVar variation 2864864 (VCV002864864.3), dbSNP rs376452135, ClinGen allele CA366942515.

ClinVar aggregate classification (germline): Pathogenic (1 of 4 stars; one submission).

Conditions:
Primary ciliary dyskinesia. Also called: Ciliary dyskinesia. Identifiers: Orphanet 244, MedGen C0008780, MONDO:0016575, HP:0012265.

Submission:

Labcorp Genetics (formerly Invitae), Labcorp
Classification: Pathogenic for Primary ciliary dyskinesia. Last evaluated: 2023-05-16. Review status: criteria provided, single submitter. Criteria: Invitae Variant Classification Sherloc (09022015). Collection method: clinical testing. Allele origin: germline.
Comment: This sequence change creates a premature translational stop signal (p.Tyr782*) in the DNAH11 gene. It is expected to result in an absent or disrupted protein product. Loss-of-function variants in DNAH11 are known to be pathogenic (PMID: 18022865, 20513915, 22184204). This variant is not present in population databases (gnomAD no frequency). For these reasons, this variant has been classified as Pathogenic. This variant has not been reported in the literature in individuals affected with DNAH11-related conditions.

Literature cited by the submitters: PubMed 18022865; PubMed 20513915; PubMed 22184204.